The following is an entry in ClinVar:

ClinVar aggregate classification (germline): Uncertain significance (1 of 4 stars; one submission).

gnomAD v4.1: 1 of 1,611,126 alleles (0.000062%); highest among the groups gnomAD compares: Non-Finnish European, 0.000085%; no homozygotes.

Submission:

Labcorp Genetics (formerly Invitae), Labcorp
Classification: Uncertain significance. Last evaluated: 2025-09-06. Review status: criteria provided, single submitter. Criteria: Invitae Variant Classification Sherloc (09022015). Collection method: clinical testing. Allele origin: germline.
Comment: This sequence change replaces glutamic acid, which is acidic and polar, with lysine, which is basic and polar, at codon 630 of the SLC9A3 protein (p.Glu630Lys). This variant is not present in population databases (gnomAD no frequency). This variant has not been reported in the literature in individuals affected with SLC9A3-related conditions. An algorithm developed to predict the effect of missense changes on protein structure and function (PolyPhen-2) suggests that this variant is likely to be tolerated. In summary, the available evidence is currently insufficient to determine the role of this variant in disease. Therefore, it has been classified as a Variant of Uncertain Significance.

NM_004174.4(SLC9A3):c.1888G>A (p.Glu630Lys)

Genes: SLC9A3 (solute carrier family 9 member A3), SLC9A3-AS1 (SLC9A3 antisense RNA 1; plus strand). Cytogenetic location: 5p15.33.
Variant type: single nucleotide variant.
Coding change: c.1888G>A on transcript NM_004174.4 (MANE Select); coding-DNA position 1888, G replaced by A.
Protein change: p.Glu630Lys; replaces glutamic acid 630 with lysine.
Molecular consequence: missense variant. On other transcripts: non-coding transcript variant (1).
Genome position (GRCh38, 1-based): chr5:476,545, C>T on the plus strand (G>A on the coding strand, the complement: SLC9A3 is on the minus strand). VCF-style: chr5-476545-C-T. GRCh37 (hg19) VCF-style: chr5-476660-C-T.
Other names: c.1861G>A, p.Glu621Lys (NM_001284351.3); short protein forms E621K, E630K.
Identifiers: ClinVar variation 4769926 (VCV004769926.1).